The following is an entry in ClinVar:

NM_138927.4(SON):c.5964T>C (p.Pro1988=)

Gene: SON (SON DNA and RNA binding protein; plus strand). Cytogenetic location: 21q22.11.
Variant type: single nucleotide variant.
Coding change: c.5964T>C on transcript NM_138927.4 (MANE Select); coding-DNA position 5964, T replaced by C.
Protein change: p.Pro1988=; no amino-acid change (proline 1988 retained).
Molecular consequence: synonymous variant. On other transcripts: non-coding transcript variant (1), intron variant (1).
Genome position (GRCh38, 1-based): chr21:33,555,195, T>C. VCF-style: chr21-33555195-T-C. GRCh37 (hg19) VCF-style: chr21-34927501-T-C.
Other names: c.5964T>C, p.Pro1988= (NM_001291411.2, NM_032195.3); c.245-1961T>C (NM_001291412.3); c.5964T>C (NM_138927.2).
Identifiers: ClinVar variation 737496 (VCV000737496.39), dbSNP rs139304331, ClinGen allele CA10009851.

ClinVar aggregate classification (germline): Benign/Likely benign. Review status: criteria provided, multiple submitters, no conflicts (2 of 4 stars). 7 submissions from 7 submitters: Benign (2); Likely benign (2). 3 of the submissions do not count toward it. Last evaluated 2026-09-01.

Conditions:
SON-related disorder. Also called: SON-related condition.

Allele frequency attached by ClinVar (database versions not stated): gnomAD exomes 0.00012 and 0.00053; ESP Exome Variant Server 0.00015; gnomAD 0.00070; ExAC 0.00095; 1000 Genomes Project 0.00200.
gnomAD v4.1: 850 of 1,505,168 alleles (0.056%); highest among the groups gnomAD compares: East Asian, 1.3%; 10 homozygotes.

Submissions (7):

CeGaT Center for Human Genetics Tuebingen
Classification: Likely benign. Last evaluated: 2026-09-01. Review status: criteria provided, single submitter. Criteria: CeGaT Center For Human Genetics Tuebingen Variant Classification Criteria Version 2. Collection method: clinical testing. Allele origin: germline. Affected: yes. Observed: 3 variant alleles.
Comment: SON: BP4, BP7, BS1

Labcorp Genetics (formerly Invitae), Labcorp
Classification: Benign. Last evaluated: 2026-01-09. Review status: criteria provided, single submitter. Criteria: Invitae Variant Classification Sherloc (09022015). Collection method: clinical testing. Allele origin: germline.

Blueprint Genetics
Classification: Likely benign. Last evaluated: 2024-10-15. Review status: criteria provided, single submitter. Criteria: ACMG Guidelines, 2015. Collection method: clinical testing. Allele origin: germline.

Breakthrough Genomics
Classification: Benign. Review status: criteria provided, single submitter. Criteria: ACMG Guidelines, 2015. Collection method: not provided. Allele origin: germline. Inheritance: Autosomal dominant inheritance. Affected: yes.

PreventionGenetics, part of Exact Sciences
Classification: Likely benign for SON-related condition. Last evaluated: 2023-11-22. Review status: no assertion criteria provided. Collection method: clinical testing. Allele origin: germline. Not counted in ClinVar's aggregate classification.
Comment: This variant is classified as likely benign based on ACMG/AMP sequence variant interpretation guidelines (Richards et al. 2015 PMID: 25741868, with internal and published modifications).

Clinical Genetics DNA and cytogenetics Diagnostics Lab, Erasmus MC, Erasmus Medical Center
Classification: Likely benign. Review status: no assertion criteria provided. Collection method: clinical testing. Allele origin: germline. Affected: yes. Study: VKGL Data-share Consensus. Not counted in ClinVar's aggregate classification.

Genome Diagnostics Laboratory, University Medical Center Utrecht
Classification: Likely benign. Review status: no assertion criteria provided. Collection method: clinical testing. Allele origin: germline. Affected: yes. Study: VKGL Data-share Consensus. Not counted in ClinVar's aggregate classification.